The following is an entry in ClinVar:

ClinVar aggregate classification (germline): Uncertain significance (1 of 4 stars; one submission).

Conditions:
Hereditary cancer-predisposing syndrome. Also called: Neoplastic Syndromes, Hereditary; Tumor predisposition; Hereditary Cancer Syndrome; Hereditary neoplastic syndrome. Identifiers: Orphanet 140162, MedGen C0027672, MeSH D009386, MONDO:0015356.

Submission:

Ambry Genetics
Classification: Uncertain significance for Hereditary cancer-predisposing syndrome. Last evaluated: 2020-07-28. Review status: criteria provided, single submitter. Criteria: Ambry Variant Classification Scheme 2023. Collection method: clinical testing. Allele origin: germline.
Comment: The c.809_810delCCinsTT variant (also known as p.T270I), located in coding exon 5 of the FLCN gene, results from an in-frame deletion of CC and insertion of TT at nucleotide positions 809 to 810. This results in the substitution of the threonine residue for an isoleucine residue at codon 270, an amino acid with similar properties. This amino acid position is highly conserved in available vertebrate species. In addition, this alteration is predicted to be neutral by in silico analysis (Choi Y et al. PLoS ONE. 2012; 7(10):e46688). Since supporting evidence is limited at this time, the clinical significance of this alteration remains unclear.

NM_144997.7(FLCN):c.809_810delinsTT (p.Thr270Ile)

Gene: FLCN (folliculin; minus strand). Cytogenetic location: 17p11.2.
Variant type: Indel.
Coding change: c.809_810delinsTT on transcript NM_144997.7 (MANE Select); coding-DNA positions 809 to 810, CC replaced by TT.
Protein change: p.Thr270Ile; replaces threonine 270 with isoleucine.
Molecular consequence: missense variant.
Genome position (GRCh38, 1-based): chr17:17,221,598-17,221,599, GG replaced by AA on the plus strand (CC replaced by TT on the coding strand, the reverse complement: FLCN is on the minus strand). VCF-style: chr17-17221598-GG-AA. GRCh37 (hg19) VCF-style: chr17-17124912-GG-AA.
Other names: c.863_864delinsTT, p.Thr288Ile (NM_001353229.2); c.809_810delinsTT, p.Thr270Ile (NM_001353230.2, NM_001353231.2, NM_144606.7); short protein forms T270I, T288I.
Identifiers: ClinVar variation 1761951 (VCV001761951.2), dbSNP rs2544220702, ClinGen allele CA2580092619.